The following is an entry in ClinVar:

ClinVar aggregate classification (germline): Pathogenic (1 of 4 stars; one submission).

Conditions:
Congenital disorder of deglycosylation (CDDG). Identifiers: MedGen C3808991, MONDO:0031376.

Submission:

Labcorp Genetics (formerly Invitae), Labcorp
Classification: Pathogenic for Congenital disorder of deglycosylation. Last evaluated: 2023-08-09. Review status: criteria provided, single submitter. Criteria: Invitae Variant Classification Sherloc (09022015). Collection method: clinical testing. Allele origin: germline.
Comment: For these reasons, this variant has been classified as Pathogenic. This variant has not been reported in the literature in individuals affected with NGLY1-related conditions. This variant is not present in population databases (gnomAD no frequency). This sequence change creates a premature translational stop signal (p.Leu43Serfs*62) in the NGLY1 gene. It is expected to result in an absent or disrupted protein product. Loss-of-function variants in NGLY1 are known to be pathogenic (PMID: 24651605).

Literature cited by the submitters: PubMed 24651605.

NM_018297.4(NGLY1):c.127del (p.Leu43fs)

Gene: NGLY1 (N-glycanase 1; minus strand). Cytogenetic location: 3p24.2.
Variant type: Deletion.
Coding change: c.127del on transcript NM_018297.4 (MANE Select); coding-DNA position 127, one base deleted (C; older notation c.127delC).
Protein change: p.Leu43fs; shifts the reading frame from leucine 43.
Molecular consequence: frameshift variant. On other transcripts: intron variant (1).
Genome position (GRCh38, 1-based): chr3:25,783,264, G deleted on the plus strand (C on the coding strand, the reverse complement: NGLY1 is on the minus strand); the first of 2 consecutive G bases (chr3:25,783,264-25,783,265); deleting either gives the same sequence. VCF-style (leftmost placement, unchanged base first): chr3-25783263-AG-A. GRCh37 (hg19) VCF-style: chr3-25824754-AG-A.
Other names: c.127del, p.Leu43fs (NM_001145293.2, NM_001145295.2); c.6-4576del (NM_001145294.2); short protein forms L43fs.
Identifiers: ClinVar variation 2745326 (VCV002745326.3), dbSNP rs2470776873, ClinGen allele CA2697550736.
Genomic context (GRCh38, chr3:25,783,263, plus strand): 5'-CAAGGTGCCGCGGCCCACCCACCCCGGTACCCGCCGTCCGACCCCGTTGCCCTGCACCTG[AG>A]GATGTTGTCAGCATAGGTGAGCAGCAGCTTGGAGGCCTCCAAAAAGGTCTCCGGGGTGTT-3'